The following is an entry in ClinVar:

NM_032634.4(PIGO):c.1321G>A (p.Glu441Lys)

Gene: PIGO (phosphatidylinositol glycan anchor biosynthesis class O; minus strand). Cytogenetic location: 9p13.3.
Variant type: single nucleotide variant.
Coding change: c.1321G>A on transcript NM_032634.4 (MANE Select); coding-DNA position 1321, G replaced by A.
Protein change: p.Glu441Lys; replaces glutamic acid 441 with lysine.
Molecular consequence: missense variant.
Genome position (GRCh38, 1-based): chr9:35,092,566, C>T on the plus strand (G>A on the coding strand, the complement: PIGO is on the minus strand). VCF-style: chr9-35092566-C-T. GRCh37 (hg19) VCF-style: chr9-35092563-C-T.
Other names: c.1321G>A, p.Glu441Lys (NM_001201484.2, NM_152850.4); short protein forms E441K.
Identifiers: ClinVar variation 852971 (VCV000852971.4), dbSNP rs148970282, ClinGen allele CA5040660.

ClinVar aggregate classification (germline): Uncertain significance (1 of 4 stars; one submission).

Conditions:
Hyperphosphatasia with impaired intellectual development syndrome 2. Also called: Hyperphosphatasia with intellectual disability syndrome 2; GLYCOSYLPHOSPHATIDYLINOSITOL BIOSYNTHESIS DEFECT 6. Identifiers: Orphanet 247262, MedGen C3553637, MONDO:0013882, OMIM 614749.

Allele frequency attached by ClinVar (database versions not stated): gnomAD 0.00001; gnomAD exomes 0.00002; ESP Exome Variant Server 0.00008; ExAC 0.00002; TOPMed 0.00001.
gnomAD v4.1: 11 of 1,614,094 alleles (0.00068%); highest among the groups gnomAD compares: South Asian, 0.0044%; no homozygotes.

Submission:

Labcorp Genetics (formerly Invitae), Labcorp
Classification: Uncertain significance for Hyperphosphatasia with impaired intellectual development syndrome 2. Last evaluated: 2022-03-11. Review status: criteria provided, single submitter. Criteria: Invitae Variant Classification Sherloc (09022015). Collection method: clinical testing. Allele origin: germline.
Comment: This sequence change replaces glutamic acid, which is acidic and polar, with lysine, which is basic and polar, at codon 441 of the PIGO protein (p.Glu441Lys). This variant is present in population databases (rs148970282, gnomAD 0.01%). This variant has not been reported in the literature in individuals affected with PIGO-related conditions. ClinVar contains an entry for this variant (Variation ID: 852971). Algorithms developed to predict the effect of missense changes on protein structure and function output the following: SIFT: "Tolerated"; PolyPhen-2: "Benign"; Align-GVGD: "Class C0". The lysine amino acid residue is found in multiple mammalian species, which suggests that this missense change does not adversely affect protein function. In summary, the available evidence is currently insufficient to determine the role of this variant in disease. Therefore, it has been classified as a Variant of Uncertain Significance.